The following is an entry in ClinVar:

ClinVar aggregate classification (germline): Conflicting classifications of pathogenicity. Review status: criteria provided, conflicting classifications (1 of 4 stars). 2 submissions from 2 submitters: Uncertain significance (1); Likely benign (1). Last evaluated 2026-01-19.

Conditions:
Cardiovascular phenotype. Identifiers: MedGen CN230736.
Anterior segment dysgenesis. Also called: Ocular anterior segment dysgenesis. Identifiers: Orphanet 88632, MedGen C1862839, MONDO:0019503, HP:0007700.
Congenital primary aphakia. Also called: ANTERIOR SEGMENT DYSGENESIS 2; Anterior segment dysgenesis 2, multiple subtypes. Identifiers: Orphanet 83461, MedGen C1853230, MONDO:0012456, OMIM 610256.

Submissions (2):

Labcorp Genetics (formerly Invitae), Labcorp
Classification: Uncertain significance for Anterior segment dysgenesis; Congenital primary aphakia. Last evaluated: 2026-01-19. Review status: criteria provided, single submitter. Criteria: Invitae Variant Classification Sherloc (09022015). Collection method: clinical testing. Allele origin: germline.
Comment: This sequence change affects codon 294 of the FOXE3 mRNA. It is a 'silent' change, meaning that it does not change the encoded amino acid sequence of the FOXE3 protein. This variant is not present in population databases (gnomAD no frequency). This variant has not been reported in the literature in individuals affected with FOXE3-related conditions. ClinVar contains an entry for this variant (Variation ID: 1764790). In summary, the available evidence is currently insufficient to determine the role of this variant in disease. Therefore, it has been classified as a Variant of Uncertain Significance.

Ambry Genetics
Classification: Likely benign for Cardiovascular phenotype. Last evaluated: 2019-07-31. Review status: criteria provided, single submitter. Criteria: Ambry Variant Classification Scheme 2023. Collection method: clinical testing. Allele origin: germline.

NM_012186.3(FOXE3):c.882C>A (p.Ala294=)

Genes: FOXE3 (forkhead box E3; plus strand), LINC01389 (long independently transcribed non-coding RNA 1389; minus strand). Cytogenetic location: 1p33.
Variant type: single nucleotide variant.
Coding change: c.882C>A on transcript NM_012186.3 (MANE Select); coding-DNA position 882, C replaced by A.
Protein change: p.Ala294=; no amino-acid change (alanine 294 retained).
Molecular consequence: synonymous variant.
Genome position (GRCh38, 1-based): chr1:47,417,197, C>A. VCF-style: chr1-47417197-C-A. GRCh37 (hg19) VCF-style: chr1-47882869-C-A.
Identifiers: ClinVar variation 1764790 (VCV001764790.3), dbSNP rs946810051, ClinGen allele CA417892540.